The following is an entry in ClinVar:

ClinVar aggregate classification (germline): Benign/Likely benign. Review status: criteria provided, multiple submitters, no conflicts (2 of 4 stars). 4 submissions from 4 submitters: Benign (1); Likely benign (3). Last evaluated 2025-09-08.

Conditions:
Angelman syndrome-like. Identifiers: MedGen CN128785.
Developmental and epileptic encephalopathy, 2 (DEE2). Also called: INFANTILE SPASM SYNDROME, X-LINKED 2; CDKL5 deficiency disorder. Identifiers: Orphanet 1934, Orphanet 3451, Orphanet 505652, MedGen C4750718, MONDO:0010396, OMIM 300672.
Inborn genetic diseases. Identifiers: MedGen C0950123, MeSH D030342.

Allele frequency attached by ClinVar (database versions not stated): gnomAD 0.00002; TOPMed 0.00003.
gnomAD v4.1: 24 of 1,210,065 alleles (0.002%); highest among the groups gnomAD compares: East Asian, 0.041%; no homozygotes.

Submissions (4):

Labcorp Genetics (formerly Invitae), Labcorp
Classification: Benign for Developmental and epileptic encephalopathy, 2; Angelman syndrome-like. Last evaluated: 2025-09-08. Review status: criteria provided, single submitter. Criteria: Invitae Variant Classification Sherloc (09022015). Collection method: clinical testing. Allele origin: germline.

Eurofins Ntd Llc (ga)
Classification: Likely benign. Last evaluated: 2016-10-20. Review status: criteria provided, single submitter. Criteria: EGL Classification Definitions 2015. Collection method: clinical testing. Allele origin: germline. Observed: 2 variant alleles, 2 hemizygotes.

Ambry Genetics
Classification: Likely benign for Inborn genetic diseases. Last evaluated: 2016-09-12. Review status: criteria provided, single submitter. Criteria: Ambry Variant Classification Scheme 2023. Collection method: clinical testing. Allele origin: germline.

GeneDx
Classification: Likely benign. Last evaluated: 2016-05-13. Review status: criteria provided, single submitter. Criteria: GeneDx Variant Classification (06012015). Collection method: clinical testing. Allele origin: germline. Affected: yes.
Comment: This variant is considered likely benign or benign based on one or more of the following criteria: it is a conservative change, it occurs at a poorly conserved position in the protein, it is predicted to be benign by multiple in silico algorithms, and/or has population frequency not consistent with disease.

NM_003159.3(CDKL5):c.2867G>A (p.Arg956His)

Genes: CDKL5 (cyclin dependent kinase like 5; plus strand), RS1 (retinoschisin 1; minus strand). Cytogenetic location: Xp22.13.
Variant type: single nucleotide variant.
Coding change: c.2867G>A on transcript NM_003159.3; coding-DNA position 2867, G replaced by A.
Protein change: p.Arg956His; replaces arginine 956 with histidine.
Molecular consequence: missense variant. On other transcripts: intron variant (1).
Genome position (GRCh38, 1-based): chrX:18,650,479, G>A. VCF-style: chrX-18650479-G-A. GRCh37 (hg19) VCF-style: chrX-18668599-G-A.
Other names: c.185-3147C>T (NM_000330.4); c.2867G>A, p.Arg956His (NM_001037343.2); short protein forms R956H.
Identifiers: ClinVar variation 386178 (VCV000386178.16), dbSNP rs376557374, ClinGen allele CA10360735.
Genomic context (GRCh38, chrX:18,650,479, plus strand): 5'-TCTGCTGTGGTGACCCAAAGAAGCCTCACACTCCGTGCGTCCCAAACCGAGCCCTTCATC[G>A]TCCAATCTCCAGTCCTGCTCCCTATCCAGTACTCCAGGTCCGAGGCACTTCCATGTGCCC-3'